The following is an entry in ClinVar:

NM_000128.4(F11):c.206A>G (p.Asp69Gly)

Gene: F11 (coagulation factor XI; plus strand). Cytogenetic location: 4q35.2.
Variant type: single nucleotide variant.
Coding change: c.206A>G on transcript NM_000128.4 (MANE Select); coding-DNA position 206, A replaced by G.
Protein change: p.Asp69Gly; replaces aspartic acid 69 with glycine.
Molecular consequence: missense variant.
Genome position (GRCh38, 1-based): chr4:186,271,759, A>G. VCF-style: chr4-186271759-A-G. GRCh37 (hg19) VCF-style: chr4-187192913-A-G.
Other names: c.206A>G, p.Asp69Gly (NM_001354804.2); short protein forms D69G.
Identifiers: ClinVar variation 1704969 (VCV001704969.3), dbSNP rs1002456131, ClinGen allele CA112149165.

ClinVar aggregate classification (germline): Uncertain significance. Review status: criteria provided, multiple submitters, no conflicts (2 of 4 stars). 2 submissions from 2 submitters: Uncertain significance (2). Last evaluated 2025-05-15.

Conditions:
Inborn genetic diseases. Identifiers: MedGen C0950123, MeSH D030342.

Allele frequency attached by ClinVar (database versions not stated): gnomAD exomes 0.00001; gnomAD 0.00002; TOPMed 0.00003.
gnomAD v4.1: 8 of 1,614,050 alleles (0.0005%); highest among the groups gnomAD compares: Non-Finnish European, 0.00059%; no homozygotes.

Submissions (2):

Ambry Genetics
Classification: Uncertain significance for Inborn genetic diseases. Last evaluated: 2025-05-15. Review status: criteria provided, single submitter. Criteria: Ambry Variant Classification Scheme 2023. Collection method: clinical testing. Allele origin: germline.

GeneDx
Classification: Uncertain significance. Last evaluated: 2022-09-08. Review status: criteria provided, single submitter. Criteria: GeneDx Variant Classification Process June 2021. Collection method: clinical testing. Allele origin: germline. Affected: yes.
Comment: Not observed in large population cohorts (gnomAD); In silico analysis supports that this missense variant has a deleterious effect on protein structure/function; In-silico analysis is inconclusive as to whether the variant alters gene splicing. In the absence of RNA/functional studies, the actual effect of this sequence change is unknown.; Has not been previously published as pathogenic or benign to our knowledge